The following is an entry in ClinVar:

NM_001159387.2(B4GALNT2):c.12C>A (p.Gly4=)

Gene: B4GALNT2 (beta-1,4-N-acetyl-galactosaminyltransferase 2 (SID blood group); plus strand). Cytogenetic location: 17q21.32.
Variant type: single nucleotide variant.
Coding change: c.12C>A on transcript NM_001159387.2 (MANE Select); coding-DNA position 12, C replaced by A.
Protein change: p.Gly4=; no amino-acid change (glycine 4 retained).
Molecular consequence: synonymous variant. On other transcripts: 5 prime UTR variant (1), intron variant (1).
Genome position (GRCh38, 1-based): chr17:49,132,804, C>A. VCF-style: chr17-49132804-C-A. GRCh37 (hg19) VCF-style: chr17-47210166-C-A.
Other names: c.-222C>A (NM_153446.3); c.-65+294C>A (NM_001159388.2).
Identifiers: ClinVar variation 2647886 (VCV002647886.25), dbSNP rs146443714, ClinGen allele CA8636597.

ClinVar aggregate classification (germline): Likely benign. Review status: criteria provided, multiple submitters, no conflicts (2 of 4 stars). 2 submissions from 2 submitters: Likely benign (2). Last evaluated 2024-11-26.

Allele frequency attached by ClinVar (database versions not stated): 1000 Genomes Project 0.00539; ESP Exome Variant Server 0.00595; 1000 Genomes Project 30x 0.00609; ExAC 0.00803.
gnomAD v4.1: 13,609 of 1,375,652 alleles (0.99%); highest among the groups gnomAD compares: Non-Finnish European, 1.2%; 103 homozygotes.

Submissions (2):

Blueprint Genetics
Classification: Likely benign. Last evaluated: 2024-11-26. Review status: criteria provided, single submitter. Criteria: ACMG Guidelines, 2015. Collection method: clinical testing. Allele origin: germline.

CeGaT Center for Human Genetics Tuebingen
Classification: Likely benign. Last evaluated: 2022-05-01. Review status: criteria provided, single submitter. Criteria: CeGaT Center For Human Genetics Tuebingen Variant Classification Criteria Version 2. Collection method: clinical testing. Allele origin: germline. Affected: yes. Observed: 1 variant allele.
Comment: B4GALNT2: BP4, BP7, BS1